The following is an entry in ClinVar:

NM_001160372.4(TRAPPC9):c.3136C>T (p.Arg1046Trp)

Gene: TRAPPC9 (trafficking protein particle complex subunit 9; minus strand). Cytogenetic location: 8q24.3.
Variant type: single nucleotide variant.
Coding change: c.3136C>T on transcript NM_001160372.4 (MANE Select); coding-DNA position 3136, C replaced by T.
Protein change: p.Arg1046Trp; replaces arginine 1046 with tryptophan.
Molecular consequence: missense variant. On other transcripts: non-coding transcript variant (1).
Genome position (GRCh38, 1-based): chr8:139,732,122, G>A on the plus strand (C>T on the coding strand, the complement: TRAPPC9 is on the minus strand). VCF-style: chr8-139732122-G-A. GRCh37 (hg19) VCF-style: chr8-140744365-G-A.
Other names: c.3109C>T, p.Arg1037Trp (NM_001321646.2); c.3157C>T, p.Arg1053Trp (NM_001374682.1); c.3025C>T, p.Arg1009Trp (NM_001374683.1); c.2992C>T, p.Arg998Trp (NM_001374684.1); c.3136C>T, p.Arg1046Trp (NM_031466.8); short protein forms R1046W, R1144W, R1037W, R1009W, R1053W, R998W.
Identifiers: ClinVar variation 362065 (VCV000362065.21), dbSNP rs376617920, ClinGen allele CA4892798.

ClinVar aggregate classification (germline): Conflicting classifications of pathogenicity. Review status: criteria provided, conflicting classifications (1 of 4 stars). 5 submissions from 5 submitters: Uncertain significance (3); Likely benign (2). Last evaluated 2026-01-28.

Conditions:
Intellectual developmental disorder, autosomal recessive 13. Also called: Intellectual disability, autosomal recessive 13. Identifiers: Orphanet 88616, MedGen C2750791, MONDO:0013173, OMIM 613192.
Inborn genetic diseases. Identifiers: MedGen C0950123, MeSH D030342.

Allele frequency attached by ClinVar (database versions not stated): gnomAD 0.00013 and 0.00015; ExAC 0.00024; TOPMed 0.00021; ESP Exome Variant Server 0.00008.
gnomAD v4.1: 189 of 1,605,768 alleles (0.012%); highest among the groups gnomAD compares: Admixed American, 0.044%; no homozygotes.

Submissions (5):

Labcorp Genetics (formerly Invitae), Labcorp
Classification: Likely benign. Last evaluated: 2026-01-28. Review status: criteria provided, single submitter. Criteria: Invitae Variant Classification Sherloc (09022015). Collection method: clinical testing. Allele origin: germline.

Ambry Genetics
Classification: Likely benign for Inborn genetic diseases. Last evaluated: 2021-12-15. Review status: criteria provided, single submitter. Criteria: Ambry Variant Classification Scheme 2023. Collection method: clinical testing. Allele origin: germline.

GeneDx
Classification: Uncertain significance. Last evaluated: 2021-12-07. Review status: criteria provided, single submitter. Criteria: GeneDx Variant Classification Process June 2021. Collection method: clinical testing. Allele origin: germline. Affected: yes.
Comment: In silico analysis, which includes protein predictors and evolutionary conservation, supports that this variant does not alter protein structure/function; Has not been previously published as pathogenic or benign to our knowledge

Baylor Genetics
Classification: Uncertain significance for Intellectual developmental disorder, autosomal recessive 13. Last evaluated: 2018-09-28. Review status: criteria provided, single submitter. Criteria: ACMG Guidelines, 2015. Collection method: clinical testing. Allele origin: unknown. Affected: yes.
Comment: This variant was determined to be of uncertain significance according to ACMG Guidelines, 2015 [PMID:25741868].

Genetic Services Laboratory, University of Chicago
Classification: Uncertain significance. Last evaluated: 2016-05-03. Review status: criteria provided, single submitter. Criteria: ACMG Guidelines, 2015. Collection method: clinical testing. Allele origin: germline. Affected: no.